The following is an entry in ClinVar:

ClinVar aggregate classification (germline): Uncertain significance (1 of 4 stars; one submission).

Allele frequency attached by ClinVar (database versions not stated): gnomAD exomes below 0.00001; TOPMed below 0.00001.
gnomAD v4.1: 2 of 1,607,012 alleles (0.00012%); highest among the groups gnomAD compares: Admixed American, 0.0017%; no homozygotes.

Submission:

Labcorp Genetics (formerly Invitae), Labcorp
Classification: Uncertain significance. Last evaluated: 2021-09-20. Review status: criteria provided, single submitter. Criteria: Invitae Variant Classification Sherloc (09022015). Collection method: clinical testing. Allele origin: germline.
Comment: In summary, the available evidence is currently insufficient to determine the role of this variant in disease. Therefore, it has been classified as a Variant of Uncertain Significance. This sequence change replaces glycine with serine at codon 877 of the ABL1 protein (p.Gly877Ser). The glycine residue is weakly conserved and there is a small physicochemical difference between glycine and serine. This variant is not present in population databases (ExAC no frequency). This variant has not been reported in the literature in individuals affected with ABL1-related conditions. Advanced modeling of protein sequence and biophysical properties (such as structural, functional, and spatial information, amino acid conservation, physicochemical variation, residue mobility, and thermodynamic stability) performed at Invitae indicates that this missense variant is not expected to disrupt ABL1 protein function.

NM_005157.6(ABL1):c.2572G>A (p.Gly858Ser)

Gene: ABL1 (ABL proto-oncogene 1, non-receptor tyrosine kinase; plus strand). Cytogenetic location: 9q34.12.
Variant type: single nucleotide variant.
Coding change: c.2572G>A on transcript NM_005157.6 (MANE Select); coding-DNA position 2572, G replaced by A.
Protein change: p.Gly858Ser; replaces glycine 858 with serine.
Molecular consequence: missense variant.
Genome position (GRCh38, 1-based): chr9:130,884,862, G>A. VCF-style: chr9-130884862-G-A. GRCh37 (hg19) VCF-style: chr9-133760249-G-A.
Other names: c.2629G>A, p.Gly877Ser (NM_007313.3); short protein forms G858S, G877S.
Identifiers: ClinVar variation 1412101 (VCV001412101.6), dbSNP rs1453982773, ClinGen allele CA375257415.